The following is an entry in ClinVar:

ClinVar aggregate classification (germline): Benign (1 of 4 stars; one submission).

Conditions:
Hereditary spastic paraplegia 6 (SPG6). Also called: SPASTIC PARAPLEGIA 6, AUTOSOMAL DOMINANT. Identifiers: Orphanet 100988, MedGen C1838192, MONDO:0010878, OMIM 600363.

Allele frequency attached by ClinVar (database versions not stated): gnomAD 0.00015 and 0.00013; TOPMed 0.00015; 1000 Genomes Project 30x 0.00031; 1000 Genomes Project 0.00040.

Submission:

Illumina Laboratory Services, Illumina
Classification: Benign for Hereditary spastic paraplegia 6. Last evaluated: 2018-01-13. Review status: criteria provided, single submitter. Criteria: ICSL Variant Classification Criteria 13 December 2019. Collection method: clinical testing. Allele origin: germline.
Comment: This variant was observed in the ICSL laboratory as part of a predisposition screen in an ostensibly healthy population. It had not been previously curated by ICSL or reported in the Human Gene Mutation Database (HGMD: prior to June 1st, 2018), and was therefore a candidate for classification through an automated scoring system. Utilizing variant allele frequency, disease prevalence and penetrance estimates, and inheritance mode, an automated score was calculated to assess if this variant is too frequent to cause the disease. Based on the score and internal cut-off values, a variant classified as benign is not then subjected to further curation. The score for this variant resulted in a classification of benign for this disease.

NM_144599.5(NIPA1):c.*3872T>G

Gene: NIPA1 (NIPA magnesium transporter 1; plus strand). Cytogenetic location: 15q11.2.
Variant type: single nucleotide variant.
Coding change: c.*3872T>G on transcript NM_144599.5 (MANE Select); 3872 bases downstream of the stop codon, T replaced by G.
Molecular consequence: 3 prime UTR variant.
Genome position (GRCh38, 1-based): chr15:22,828,111, T>G. VCF-style: chr15-22828111-T-G. GRCh37 (hg19) VCF-style: chr15-23044957-A-C.
Other names: c.*3872T>G (NM_001142275.1).
Identifiers: ClinVar variation 315353 (VCV000315353.5), dbSNP rs528309949, ClinGen allele CA10635709.
Genomic context (GRCh38, chr15:22,828,111, plus strand): 5'-GTGTAAGGTCTGTTCCCGACAGCATGGATTAGCTTCCGTGTTCTGAAGTTGTTCTTTTCA[T>G]GGTGTCTGACACCGAGGGCGTTGTTCGTCCATCAGGCGGGATTGGATGGAGTCTTGGTGT-3'